The following is an entry in ClinVar:

NM_004569.5(PIGH):c.471C>G (p.Phe157Leu)

Genes: GPHN (gephyrin; plus strand), PIGH (phosphatidylinositol glycan anchor biosynthesis class H; minus strand). Cytogenetic location: 14q24.1.
Variant type: single nucleotide variant.
Coding change: c.471C>G on transcript NM_004569.5 (MANE Select); coding-DNA position 471, C replaced by G.
Protein change: p.Phe157Leu; replaces phenylalanine 157 with leucine.
Molecular consequence: missense variant.
Genome position (GRCh38, 1-based): chr14:67,592,638, G>C on the plus strand (C>G on the coding strand, the complement: PIGH is on the minus strand). VCF-style: chr14-67592638-G-C. GRCh37 (hg19) VCF-style: chr14-68059355-G-C.
Other names: c.468C>G, p.Phe156Leu (NM_001363694.2); short protein forms F157L, F156L.
Identifiers: ClinVar variation 161623 (VCV000161623.2), dbSNP rs193920948, ClinGen allele CA174479.
Genomic context (GRCh38, chr14:67,592,638, plus strand): 5'-TTCCTAATGAAAAGGTTGAGGAGTAATTGGAGAATGGTAAAAGTATTCTATGCTCACCTG[G>C]AAGACGGGTACTACTTGGGATATCCCATGTGGTTCCACTGGATCTTTCAATAAGATGCAG-3'
Protein context (NP_004560.1, residues 147-167): PHGISQVVPV[Phe157Leu]QSAKPRLDCL

ClinVar aggregate classification (germline): Uncertain significance (0 of 4 stars; one submission).

Conditions:
Prostate cancer. Also called: Malignant tumor of prostate. Identifiers: Orphanet 1331, MedGen C0376358, MONDO:0008315, HP:0012125.

Submission:

Science for Life laboratory,  Karolinska Institutet
Classification: Uncertain significance for Malignant tumor of prostate. Review status: no assertion criteria provided. Collection method: not provided. Allele origin: somatic.
Comment: TumorID:SWE-2
ClinVar note: Converted during submission from Unknown to Uncertain significance.